The following is an entry in ClinVar:

NM_001903.5(CTNNA1):c.769A>G (p.Asn257Asp)

Gene: CTNNA1 (catenin alpha 1; plus strand). Cytogenetic location: 5q31.2.
Variant type: single nucleotide variant.
Coding change: c.769A>G on transcript NM_001903.5 (MANE Select); coding-DNA position 769, A replaced by G.
Protein change: p.Asn257Asp; replaces asparagine 257 with aspartic acid.
Molecular consequence: missense variant.
Genome position (GRCh38, 1-based): chr5:138,824,710, A>G. VCF-style: chr5-138824710-A-G. GRCh37 (hg19) VCF-style: chr5-138160399-A-G.
Other names: c.769A>G, p.Asn257Asp (NM_001290307.3, NM_001323982.2, NM_001323983.1 and 3 more transcripts); c.460A>G, p.Asn154Asp (NM_001290309.3); c.400A>G, p.Asn134Asp (NM_001290310.3); short protein forms N154D, N134D, N257D.
Identifiers: ClinVar variation 1496534 (VCV001496534.8), dbSNP rs1407898928, ClinGen allele CA361129968.
Genomic context (GRCh38, chr5:138,824,710, plus strand): 5'-TATAAGGCCAACAGGGACCTGATATACAAGCAGCTGCAGCAGGCGGTCACAGGCATTTCC[A>G]ATGCAGCCCAGGCCACTGCCTCAGACGATGCCTCACAGCACCAGGGTGGAGGAGGAGGAG-3'
Protein context (NP_001894.2, residues 247-267): QLQQAVTGIS[Asn257Asp]AAQATASDDA

ClinVar aggregate classification (germline): Uncertain significance (1 of 4 stars; one submission).

Submission:

Labcorp Genetics (formerly Invitae), Labcorp
Classification: Uncertain significance. Last evaluated: 2023-08-19. Review status: criteria provided, single submitter. Criteria: Invitae Variant Classification Sherloc (09022015). Collection method: clinical testing. Allele origin: germline.
Comment: Advanced modeling of protein sequence and biophysical properties (such as structural, functional, and spatial information, amino acid conservation, physicochemical variation, residue mobility, and thermodynamic stability) performed at Invitae indicates that this missense variant is not expected to disrupt CTNNA1 protein function. ClinVar contains an entry for this variant (Variation ID: 1496534). This variant has not been reported in the literature in individuals affected with CTNNA1-related conditions. This variant is not present in population databases (gnomAD no frequency). This sequence change replaces asparagine, which is neutral and polar, with aspartic acid, which is acidic and polar, at codon 257 of the CTNNA1 protein (p.Asn257Asp). In summary, the available evidence is currently insufficient to determine the role of this variant in disease. Therefore, it has been classified as a Variant of Uncertain Significance.